The following is an entry in ClinVar:

ClinVar aggregate classification (germline): Conflicting classifications of pathogenicity. Review status: criteria provided, conflicting classifications (1 of 4 stars). 2 submissions from 2 submitters: Likely pathogenic (1); Uncertain significance (1). Last evaluated 2024-07-27.

Conditions:
Peeling skin syndrome 6 (PSS6). Identifiers: MedGen C4748093, MONDO:0054852, OMIM 618084.

Submissions (2):

GeneDx
Classification: Likely pathogenic. Last evaluated: 2024-07-27. Review status: criteria provided, single submitter. Criteria: GeneDx Variant Classification Process June 2021. Collection method: clinical testing. Allele origin: germline. Affected: yes.
Comment: Nonsense variant predicted to result in protein truncation as the last 2131 amino acids are lost; Has not been previously published as pathogenic or benign to our knowledge

Neuberg Centre For Genomic Medicine, NCGM
Classification: Uncertain significance for Peeling skin syndrome 6. Last evaluated: 2023-06-22. Review status: criteria provided, single submitter. Criteria: ACMG Guidelines, 2015. Collection method: clinical testing. Allele origin: germline. Inheritance: Autosomal recessive inheritance. Affected: yes.
Comment: The observed stop gained variant c.781C>T(p.Gln261Ter) in FLG2 gene has not been reported previously as a pathogenic variant nor as a benign variant, to our knowledge. The c.781C>T(p.Gln261Ter) variant is absent in gnomAD Exomes. The nucleotide change c.781C>T in FLG2 is predicted as conserved by GERP++ and PhyloP across 100 vertebrates. Computational evidence (Mutation Taster - Disease causing) predicts damaging effect on protein structure and function for this variant. As this variant is present in the last exon and no pathogenic varaints are reported beyond this region, functional studies are required to prove its pathogenicity. For these reasons, this variant has been classified as Uncertain Significance.

NM_001014342.3(FLG2):c.781C>T (p.Gln261Ter)

Genes: CCDST (cervical cancer associated DHX9 suppressive transcript; plus strand), FLG2 (filaggrin 2; minus strand). Cytogenetic location: 1q21.3.
Variant type: single nucleotide variant.
Coding change: c.781C>T on transcript NM_001014342.3 (MANE Select); coding-DNA position 781, C replaced by T.
Protein change: p.Gln261Ter; replaces glutamine 261 with a stop codon.
Molecular consequence: nonsense.
Genome position (GRCh38, 1-based): chr1:152,357,005, G>A on the plus strand (C>T on the coding strand, the complement: FLG2 is on the minus strand). VCF-style: chr1-152357005-G-A. GRCh37 (hg19) VCF-style: chr1-152329481-G-A.
Other names: short protein forms Q261*.
Identifiers: ClinVar variation 3377612 (VCV003377612.2).